The following is an entry in ClinVar:

ClinVar aggregate classification (germline): Benign/Likely benign. Review status: criteria provided, multiple submitters, no conflicts (2 of 4 stars). 6 submissions from 6 submitters: Benign (1); Likely benign (4). 1 of the submissions does not count toward it. Last evaluated 2026-01-11.

Conditions:
ATRX-related disorder. Also called: ATRX-related condition.
Alpha thalassemia-X-linked intellectual disability syndrome (ATRX). Also called: ALPHA-THALASSEMIA/MENTAL RETARDATION SYNDROME, X-LINKED; X-linked alpha-thalassemia-mental retardation syndrome; ATR-X syndrome; Alpha thalassemia mental retardation syndrome, nondeletion type, X-linked; XLMR hypotonic face syndrome; ATR, NONDELETION TYPE. Identifiers: Orphanet 847, MedGen C1845055, MONDO:0010519, OMIM 301040.

Allele frequency attached by ClinVar (database versions not stated): ExAC 0.00024; TOPMed 0.00015; gnomAD 0.00020 and 0.00021; 1000 Genomes Project 0.00026; gnomAD exomes 0.00027 and 0.00031; 1000 Genomes Project 30x 0.00042.
gnomAD v4.1: 326 of 1,207,535 alleles (0.027%); highest among the groups gnomAD compares: Non-Finnish European, 0.026%; no homozygotes.

Submissions (6):

Labcorp Genetics (formerly Invitae), Labcorp
Classification: Benign for Alpha thalassemia-X-linked intellectual disability syndrome. Last evaluated: 2026-01-11. Review status: criteria provided, single submitter. Criteria: Invitae Variant Classification Sherloc (09022015). Collection method: clinical testing. Allele origin: germline.

Blueprint Genetics
Classification: Likely benign. Last evaluated: 2023-05-16. Review status: criteria provided, single submitter. Criteria: ACMG Guidelines, 2015. Collection method: clinical testing. Allele origin: germline.

CeGaT Center for Human Genetics Tuebingen
Classification: Likely benign. Last evaluated: 2022-08-01. Review status: criteria provided, single submitter. Criteria: CeGaT Center For Human Genetics Tuebingen Variant Classification Criteria Version 2. Collection method: clinical testing. Allele origin: germline. Affected: yes. Observed: 2 variant alleles.
Comment: ATRX: BP4, BP7

GeneDx
Classification: Likely benign. Last evaluated: 2020-05-18. Review status: criteria provided, single submitter. Criteria: GeneDx Variant Classification Process June 2021. Collection method: clinical testing. Allele origin: germline. Affected: yes.

Genetic Services Laboratory, University of Chicago
Classification: Likely benign. Last evaluated: 2016-03-03. Review status: criteria provided, single submitter. Criteria: ACMG Guidelines, 2015. Collection method: clinical testing. Allele origin: germline. Affected: no.

PreventionGenetics, part of Exact Sciences
Classification: Likely benign for ATRX-related condition. Last evaluated: 2021-03-25. Review status: no assertion criteria provided. Collection method: clinical testing. Allele origin: germline. Not counted in ClinVar's aggregate classification.
Comment: This variant is classified as likely benign based on ACMG/AMP sequence variant interpretation guidelines (Richards et al. 2015 PMID: 25741868, with internal and published modifications).

NM_000489.6(ATRX):c.1467C>T (p.Thr489=)

Gene: ATRX (ATRX chromatin remodeler; minus strand). Cytogenetic location: Xq21.1.
Variant type: single nucleotide variant.
Coding change: c.1467C>T on transcript NM_000489.6 (MANE Select); coding-DNA position 1467, C replaced by T.
Protein change: p.Thr489=; no amino-acid change (threonine 489 retained).
Molecular consequence: synonymous variant.
Genome position (GRCh38, 1-based): chrX:77,683,789, G>A on the plus strand (C>T on the coding strand, the complement: ATRX is on the minus strand). VCF-style: chrX-77683789-G-A. GRCh37 (hg19) VCF-style: chrX-76939281-G-A.
Other names: c.1353C>T, p.Thr451= (NM_138270.5).
Identifiers: ClinVar variation 434462 (VCV000434462.44), dbSNP rs199929884, ClinGen allele CA10458197.